The following is an entry in ClinVar:

ClinVar aggregate classification (germline): Benign (1 of 4 stars; one submission).

Submission:

Unidad de Genómica Garrahan, Hospital de Pediatría Garrahan
Classification: Benign. Last evaluated: 2024-01-24. Review status: criteria provided, single submitter. Criteria: ACMG Guidelines, 2015. Collection method: clinical testing. Allele origin: germline. Affected: no. Observed: 30 variant alleles.
Comment: This variant is classified as Benign based on local population frequency. This variant was detected in 32% of patients studied by a panel of primary immunodeficiencies. Number of patients: 30. Only high quality variants are reported.

NM_004706.4(ARHGEF1):c.1839+122_1839+123insCG

Gene: ARHGEF1 (Rho guanine nucleotide exchange factor 1; plus strand). Cytogenetic location: 19q13.2.
Variant type: Insertion.
Coding change: c.1839+122_1839+123insCG on transcript NM_004706.4 (MANE Select); bases 122 to 123 of the intron after coding-DNA position 1839, CG inserted.
Molecular consequence: intron variant.
Genome position: GRCh38 VCF-style: chr19-41903528-T-TGC. GRCh37 (hg19) VCF-style: chr19-42407678-T-TGC.
Other names: c.1839+122_1839+123insCG (NM_001396003.1, NM_001396006.1); c.1740+122_1740+123insCG (NM_001396002.1, NM_198977.2, NM_001396004.1); c.2007+122_2007+123insCG (NM_001396000.1); c.1884+122_1884+123insCG (NM_199002.2).
Identifiers: ClinVar variation 2688231 (VCV002688231.2), dbSNP rs2513897684, ClinGen allele CA2585360206.